The following is an entry in ClinVar:

ClinVar aggregate classification (germline): Pathogenic/Likely pathogenic. Review status: criteria provided, multiple submitters, no conflicts (2 of 4 stars). 2 submissions from 2 submitters: Pathogenic (1); Likely pathogenic (1). Last evaluated 2022-07-25.

Conditions:
Migraine, familial hemiplegic, 1. Also called: MIGRAINE, FAMILIAL HEMIPLEGIC 1, WITH PROGRESSIVE CEREBELLAR ATAXIA. Identifiers: Orphanet 569, MedGen C1832884, MONDO:0020756, OMIM 141500, MONDO:0007714.
Developmental and epileptic encephalopathy, 42 (DEE42A). Also called: Epileptic encephalopathy, early infantile, 42; DEVELOPMENTAL AND EPILEPTIC ENCEPHALOPATHY 42A; EPILEPTIC ENCEPHALOPATHY, EARLY INFANTILE, 42A. Identifiers: MedGen C4310716, MONDO:0014917, OMIM 617106.
Episodic ataxia type 2 (EA2). Also called: ATAXIA, EPISODIC, WITH NYSTAGMUS; ATAXIA, FAMILIAL PAROXYSMAL; CEREBELLAR ATAXIA, PAROXYSMAL, ACETAZOLAMIDE-RESPONSIVE; CEREBELLOPATHY, HEREDITARY PAROXYSMAL; EPISODIC ATAXIA, NYSTAGMUS-ASSOCIATED; ACETAZOLAMIDE-RESPONSIVE HEREDITARY PAROXYSMAL CEREBELLAR ATAXIA. Identifiers: Orphanet 97, MedGen C1720416, MONDO:0007163, OMIM 108500.

Submissions (2):

Labcorp Genetics (formerly Invitae), Labcorp
Classification: Likely pathogenic for Developmental and epileptic encephalopathy, 42; Episodic ataxia type 2. Last evaluated: 2022-07-25. Review status: criteria provided, single submitter. Criteria: Invitae Variant Classification Sherloc (09022015). Collection method: clinical testing. Allele origin: germline.
Comment: In summary, the currently available evidence indicates that the variant is pathogenic, but additional data are needed to prove that conclusively. Therefore, this variant has been classified as Likely Pathogenic. Algorithms developed to predict the effect of sequence changes on RNA splicing suggest that this variant may disrupt the consensus splice site. This variant has not been reported in the literature in individuals affected with CACNA1A-related conditions. This variant is not present in population databases (gnomAD no frequency). This sequence change affects a donor splice site in intron 25 of the CACNA1A gene. It is expected to disrupt RNA splicing. Variants that disrupt the donor or acceptor splice site typically lead to a loss of protein function (PMID: 16199547), and loss-of-function variants in CACNA1A are known to be pathogenic (PMID: 10371528, 19486177, 25735478, 27250579).

North West Genomic Laboratory Hub, Manchester University NHS Foundation Trust
Classification: Pathogenic for Developmental and epileptic encephalopathy, 42; Migraine, familial hemiplegic, 1. Last evaluated: 2021-01-08. Review status: criteria provided, single submitter. Criteria: ACMG Guidelines, 2015. Collection method: clinical testing. Allele origin: germline. Affected: yes.
Comment: Criteria Codes: PVS1 PM2

Literature cited by the submitters: PubMed 16199547 (cited by Labcorp Genetics (formerly Invitae), Labcorp); PubMed 10371528 (cited by Labcorp Genetics (formerly Invitae), Labcorp); PubMed 19486177 (cited by Labcorp Genetics (formerly Invitae), Labcorp); PubMed 25735478 (cited by Labcorp Genetics (formerly Invitae), Labcorp); PubMed 27250579 (cited by Labcorp Genetics (formerly Invitae), Labcorp).

NM_001127222.2(CACNA1A):c.4089+1G>A

Gene: CACNA1A (calcium voltage-gated channel subunit alpha1 A; minus strand). Cytogenetic location: 19p13.13.
Variant type: single nucleotide variant.
Coding change: c.4089+1G>A on transcript NM_001127222.2 (MANE Select); the canonical splice donor site of the intron after coding-DNA position 4089, G replaced by A.
Molecular consequence: splice donor variant.
Genome position (GRCh38, 1-based): chr19:13,262,733, C>T on the plus strand (G>A on the coding strand, the complement: CACNA1A is on the minus strand). VCF-style: chr19-13262733-C-T. GRCh37 (hg19) VCF-style: chr19-13373547-C-T.
Other names: c.4092+1G>A (NM_001127221.2, NM_001174080.2); c.4101+1G>A (NM_000068.4, NM_023035.3).
Identifiers: ClinVar variation 2079579 (VCV002079579.5), dbSNP rs2056766498, ClinGen allele CA404339907.